The following is an entry in ClinVar:

ClinVar aggregate classification (germline): Uncertain significance (1 of 4 stars; one submission).

gnomAD v4.1: 6 of 1,611,380 alleles (0.00037%); highest among the groups gnomAD compares: South Asian, 0.0055%; no homozygotes.

Submission:

Ambry Genetics
Classification: Uncertain significance. Last evaluated: 2021-11-30. Review status: criteria provided, single submitter. Criteria: Ambry Variant Classification Scheme 2023. Collection method: clinical testing. Allele origin: germline.
Comment: The c.1814G>A (p.S605N) alteration is located in exon (coding exon ) of the SH3RF3 gene. This alteration results from a G to A substitution at nucleotide position 1814, causing the serine (S) at amino acid position 605 to be replaced by an asparagine (N). Based on insufficient or conflicting evidence, the clinical significance of this alteration remains unclear.

NM_001099289.3(SH3RF3):c.1814G>A (p.Ser605Asn)

Genes: RANBP2 (RAN binding protein 2; plus strand), SH3RF3 (SH3 domain containing ring finger 3; plus strand). Cytogenetic location: 2q13.
Variant type: single nucleotide variant.
Coding change: c.1814G>A on transcript NM_001099289.3 (MANE Select); coding-DNA position 1814, G replaced by A.
Protein change: p.Ser605Asn; replaces serine 605 with asparagine.
Molecular consequence: missense variant.
Genome position (GRCh38, 1-based): chr2:109,437,132, G>A. VCF-style: chr2-109437132-G-A. GRCh37 (hg19) VCF-style: chr2-110053588-G-A.
Other names: short protein forms S605N.
Identifiers: ClinVar variation 2262969 (VCV002262969.2), dbSNP rs1249722600, ClinGen allele CA348073013.